The following is an entry in ClinVar:

NM_001369.3(DNAH5):c.6657C>A (p.Tyr2219Ter)

Gene: DNAH5 (dynein axonemal heavy chain 5; minus strand). Cytogenetic location: 5p15.2.
Variant type: single nucleotide variant.
Coding change: c.6657C>A on transcript NM_001369.3 (MANE Select); coding-DNA position 6657, C replaced by A.
Protein change: p.Tyr2219Ter; replaces tyrosine 2219 with a stop codon.
Molecular consequence: nonsense.
Genome position (GRCh38, 1-based): chr5:13,823,293, G>T on the plus strand (C>A on the coding strand, the complement: DNAH5 is on the minus strand). VCF-style: chr5-13823293-G-T. GRCh37 (hg19) VCF-style: chr5-13823402-G-T.
Other names: short protein forms Y2219*.
Identifiers: ClinVar variation 977589 (VCV000977589.5), dbSNP rs1270916321, ClinGen allele CA359195655.

ClinVar aggregate classification (germline): Pathogenic/Likely pathogenic. Review status: criteria provided, multiple submitters, no conflicts (2 of 4 stars). 4 submissions from 4 submitters: Pathogenic (1); Likely pathogenic (3). Last evaluated 2025-07-14.

Conditions:
Primary ciliary dyskinesia. Also called: Ciliary dyskinesia. Identifiers: Orphanet 244, MedGen C0008780, MONDO:0016575, HP:0012265.
Primary ciliary dyskinesia 3. Identifiers: Orphanet 244, MedGen C1837618, MONDO:0012085, OMIM 608644.

gnomAD v4.1: 1 of 1,613,606 alleles (0.000062%); highest among the groups gnomAD compares: East Asian, 0.0022%; no homozygotes.

Submissions (4):

Labcorp Genetics (formerly Invitae), Labcorp
Classification: Pathogenic for Primary ciliary dyskinesia. Last evaluated: 2025-07-14. Review status: criteria provided, single submitter. Criteria: Invitae Variant Classification Sherloc (09022015). Collection method: clinical testing. Allele origin: germline.
Comment: This sequence change creates a premature translational stop signal (p.Tyr2219*) in the DNAH5 gene. It is expected to result in an absent or disrupted protein product. Loss-of-function variants in DNAH5 are known to be pathogenic (PMID: 11788826, 16627867). This variant is present in population databases (no rsID available, gnomAD 0.006%). This variant has not been reported in the literature in individuals affected with DNAH5-related conditions. ClinVar contains an entry for this variant (Variation ID: 977589). For these reasons, this variant has been classified as Pathogenic.

Fulgent Genetics
Classification: Likely pathogenic for Primary ciliary dyskinesia 3. Last evaluated: 2024-01-25. Review status: criteria provided, single submitter. Criteria: ACMG Guidelines, 2015. Collection method: clinical testing. Allele origin: germline.

Johns Hopkins Genomics, Johns Hopkins University
Classification: Likely pathogenic for Primary ciliary dyskinesia 3. Last evaluated: 2023-10-24. Review status: criteria provided, single submitter. Criteria: ACMG Guidelines, 2015. Collection method: clinical testing. Allele origin: germline.
Comment: This DNAH5 variant (rs1270916321) is rare (<0.1%) in a large population dataset (gnomAD v2.1.1: 1/251362 total alleles; 0.0004%; no homozygotes). It has been reported in ClinVar (Variation ID 977589), but has not been reported in the literature, to our knowledge. This nonsense variant results in a premature stop codon in exon 40 of 79, likely leading to nonsense-mediated decay and lack of protein production. We consider c.6657C>A in DNAH5 to be likely pathogenic.

UNC Molecular Genetics  Laboratory, University of North Carolina at Chapel Hill
Classification: Likely pathogenic for Primary ciliary dyskinesia. Last evaluated: 2018-07-30. Review status: criteria provided, single submitter. Criteria: ACMG Guidelines, 2015. Collection method: clinical testing. Allele origin: germline. Observed: 1 compound heterozygote.

Literature cited by the submitters: PubMed 11788826 (cited by Labcorp Genetics (formerly Invitae), Labcorp); PubMed 16627867 (cited by Labcorp Genetics (formerly Invitae), Labcorp).